The following is an entry in ClinVar:

ClinVar aggregate classification (germline): Uncertain significance (1 of 4 stars; one submission).

Conditions:
GNAS-related disorder. Identifiers: MedGen CN380105.

gnomAD v4.1: 2 of 1,528,004 alleles (0.00013%); highest among the groups gnomAD compares: African/African-American, 0.0014%; no homozygotes.

Submission:

PreventionGenetics, part of Exact Sciences
Classification: Uncertain significance for GNAS-related condition. Last evaluated: 2026-05-22. Review status: criteria provided, single submitter. Criteria: ACMG Guidelines, 2015. Collection method: clinical testing. Allele origin: germline.
Comment: The GNAS c.1418C>T variant is predicted to result in the amino acid substitution p.Ala473Val. In the more commonly reported transcript (NM_000516.5) this variant is pre-coding (c.-37044C>T). To our knowledge, this variant has not been reported in the literature or in a large population database (gnomAD), indicating this variant is rare. At this time, the clinical significance of this variant is uncertain due to the absence of conclusive functional and genetic evidence.

NM_080425.4(GNAS):c.1418C>T (p.Ala473Val)

Gene: GNAS (GNAS complex locus; plus strand). Cytogenetic location: 20q13.32.
Variant type: single nucleotide variant.
Coding change: c.1418C>T on transcript NM_080425.4 (MANE Plus Clinical); coding-DNA position 1418, C replaced by T.
Protein change: p.Ala473Val; replaces alanine 473 with valine.
Molecular consequence: missense variant. On other transcripts: intron variant (3).
Genome position (GRCh38, 1-based): chr20:58,854,683, C>T. VCF-style: chr20-58854683-C-T. GRCh37 (hg19) VCF-style: chr20-57429738-C-T.
Other names: c.1231C>T, p.Leu411Phe (NM_001077490.3, NM_001309883.1); c.1418C>T, p.Ala473Val (NM_001410913.1); c.*42+13797C>T (NM_016592.5); c.43+13797C>T (NM_001410912.1); c.-39+12808C>T (NM_001309861.2); short protein forms L411F, A473V.
Identifiers: ClinVar variation 4991951 (VCV004991951.1).